The following is an entry in ClinVar:

ClinVar aggregate classification (germline): Uncertain significance. Review status: criteria provided, multiple submitters, no conflicts (2 of 4 stars). 5 submissions from 5 submitters: Uncertain significance (3). 2 of the submissions do not count toward it. Last evaluated 2025-02-25.

Conditions:
FANCA-related disorder. Also called: FANCA-related condition.
Inborn genetic diseases. Identifiers: MedGen C0950123, MeSH D030342.
Fanconi anemia (FA). Also called: Fanconi's anemia. Identifiers: Orphanet 84, MedGen C0015625, MeSH D005199, MONDO:0019391.

Allele frequency attached by ClinVar (database versions not stated): gnomAD exomes below 0.00001; gnomAD 0.00001; TOPMed 0.00002.
gnomAD v4.1: 4 of 1,614,172 alleles (0.00025%); highest among the groups gnomAD compares: Non-Finnish European, 0.00025%; no homozygotes.

Submissions (5):

Ambry Genetics
Classification: Uncertain significance for Inborn genetic diseases. Last evaluated: 2025-02-25. Review status: criteria provided, single submitter. Criteria: Ambry Variant Classification Scheme 2023. Collection method: clinical testing. Allele origin: germline.
Comment: The p.Q1072R variant (also known as c.3215A>G), located in coding exon 32 of the FANCA gene, results from an A to G substitution at nucleotide position 3215. The glutamine at codon 1072 is replaced by arginine, an amino acid with highly similar properties. This amino acid position is conserved. In addition, the in silico prediction for this alteration is inconclusive. Based on the available evidence, the clinical significance of this variant remains unclear.

Quest Diagnostics Nichols Institute San Juan Capistrano
Classification: Uncertain significance. Last evaluated: 2024-09-21. Review status: criteria provided, single submitter. Criteria: Quest Diagnostics criteria. Collection method: clinical testing. Allele origin: unknown.
Comment: The FANCA c.3215A>G (p.Gln1072Arg) variant has not been reported in individuals with FANCA-related conditions in the published literature. It also has not been reported in large, multi-ethnic general populations (Genome Aggregation Database). Analysis of this variant using bioinformatics tools for the prediction of the effect of amino acid changes on protein structure and function yielded conflicting predictions that this variant is benign or damaging. Based on the available information, we are unable to determine the clinical significance of this variant.

Labcorp Genetics (formerly Invitae), Labcorp
Classification: Uncertain significance for Fanconi anemia. Last evaluated: 2021-08-28. Review status: criteria provided, single submitter. Criteria: Invitae Variant Classification Sherloc (09022015). Collection method: clinical testing. Allele origin: germline.
Comment: This sequence change replaces glutamine with arginine at codon 1072 of the FANCA protein (p.Gln1072Arg). The glutamine residue is highly conserved and there is a small physicochemical difference between glutamine and arginine. This variant is not present in population databases (ExAC no frequency). This variant has not been reported in the literature in individuals affected with FANCA-related conditions. Algorithms developed to predict the effect of missense changes on protein structure and function are either unavailable or do not agree on the potential impact of this missense change (SIFT: "Deleterious"; PolyPhen-2: "Benign"; Align-GVGD: "Class C0"). In summary, the available evidence is currently insufficient to determine the role of this variant in disease. Therefore, it has been classified as a Variant of Uncertain Significance.

PreventionGenetics, part of Exact Sciences
Classification: Uncertain significance for FANCA-related condition. Last evaluated: 2023-10-26. Review status: no assertion criteria provided. Collection method: clinical testing. Allele origin: germline. Not counted in ClinVar's aggregate classification.
Comment: The FANCA c.3215A>G variant is predicted to result in the amino acid substitution p.Gln1072Arg. To our knowledge, this variant has not been reported in the literature or in a large population database, indicating this variant is rare. At this time, the clinical significance of this variant is uncertain due to the absence of conclusive functional and genetic evidence.

Natera, Inc.
Classification: Uncertain significance for Fanconi anemia. Last evaluated: 2020-01-17. Review status: no assertion criteria provided. Collection method: clinical testing. Allele origin: germline. Not counted in ClinVar's aggregate classification.

NM_000135.4(FANCA):c.3215A>G (p.Gln1072Arg)

Gene: FANCA (FA complementation group A; minus strand). Cytogenetic location: 16q24.3.
Variant type: single nucleotide variant.
Coding change: c.3215A>G on transcript NM_000135.4 (MANE Select); coding-DNA position 3215, A replaced by G.
Protein change: p.Gln1072Arg; replaces glutamine 1072 with arginine.
Molecular consequence: missense variant.
Genome position (GRCh38, 1-based): chr16:89,749,754, T>C on the plus strand (A>G on the coding strand, the complement: FANCA is on the minus strand). VCF-style: chr16-89749754-T-C. GRCh37 (hg19) VCF-style: chr16-89816162-T-C.
Other names: c.3215A>G, p.Gln1072Arg (NM_001286167.3); c.3215A>G (NM_000135.3); short protein forms Q1072R.
Identifiers: ClinVar variation 972606 (VCV000972606.14), dbSNP rs1013239803, ClinGen allele CA286625863.